The following is an entry in ClinVar:

NM_001876.4(CPT1A):c.454-2A>G

Gene: CPT1A (carnitine palmitoyltransferase 1A; minus strand). Cytogenetic location: 11q13.3.
Variant type: single nucleotide variant.
Coding change: c.454-2A>G on transcript NM_001876.4 (MANE Select); the canonical splice acceptor site of the intron before coding-DNA position 454, A replaced by G.
Molecular consequence: splice acceptor variant.
Genome position (GRCh38, 1-based): chr11:68,804,103, T>C on the plus strand (A>G on the coding strand, the complement: CPT1A is on the minus strand). VCF-style: chr11-68804103-T-C. GRCh37 (hg19) VCF-style: chr11-68571571-T-C.
Other names: c.454-2A>G (NM_001031847.3).
Identifiers: ClinVar variation 3382749 (VCV003382749.2).

ClinVar aggregate classification (germline): Uncertain significance (1 of 4 stars; one submission).

Conditions:
Carnitine palmitoyl transferase 1A deficiency. Also called: CPT deficiency, hepatic, type IA; Carnitine palmitoyltransferase 1A deficiency; CPT I DEFICIENCY; CPT DEFICIENCY, HEPATIC, TYPE I; Carnitine palmitoyltransferase type I deficiency. Identifiers: Orphanet 156, MedGen C1829703, MONDO:0009705, OMIM 255120.

Submission:

Juno Genomics, Hangzhou Juno Genomics, Inc
Classification: Uncertain significance for Carnitine palmitoyl transferase 1A deficiency. Review status: criteria provided, single submitter. Criteria: ACMG Guidelines, 2015. Collection method: clinical testing. Allele origin: germline. Affected: yes.
Comment: Absent from controls (or at extremely low frequency if recessive) in Genome Aggregation Database, Exome Sequencing Project, 1000 Genomes Project, or Exome Aggregation Consortium.;Null variant in a gene where loss of function (LOF) is a known mechanism of disease.;Patient's phenotype or family history is highly specific for a disease with a single genetic etiology.